The following is an entry in ClinVar:

ClinVar aggregate classification (germline): Pathogenic (1 of 4 stars; one submission).

Allele frequency attached by ClinVar (database versions not stated): gnomAD exomes below 0.00001.

Submission:

Labcorp Genetics (formerly Invitae), Labcorp
Classification: Pathogenic. Last evaluated: 2023-11-21. Review status: criteria provided, single submitter. Criteria: Invitae Variant Classification Sherloc (09022015). Collection method: clinical testing. Allele origin: germline.
Comment: This sequence change creates a premature translational stop signal (p.Arg1433Alafs*8) in the OTOF gene. It is expected to result in an absent or disrupted protein product. Loss-of-function variants in OTOF are known to be pathogenic (PMID: 18381613, 19250381, 22575033). This variant is not present in population databases (gnomAD no frequency). This variant has not been reported in the literature in individuals affected with OTOF-related conditions. For these reasons, this variant has been classified as Pathogenic.

Literature cited by the submitters: PubMed 18381613; PubMed 19250381; PubMed 22575033.

NM_194248.3(OTOF):c.4289_4292dup (p.Arg1433fs)

Gene: OTOF (otoferlin; minus strand). Cytogenetic location: 2p23.3.
Variant type: Duplication.
Coding change: c.4289_4292dup on transcript NM_194248.3 (MANE Select); coding-DNA positions 4289 to 4292, 4 bases duplicated (ACTT; older notation c.4289_4292dupACTT).
Protein change: p.Arg1433fs; shifts the reading frame from arginine 1433.
Molecular consequence: frameshift variant.
Genome position (GRCh38, 1-based): chr2:26,467,169-26,467,172, AAGT duplicated on the plus strand (ACTT on the coding strand, the reverse complement: OTOF is on the minus strand). VCF-style (leftmost placement, unchanged base first): chr2-26467168-C-CAAGT. GRCh37 (hg19) VCF-style: chr2-26690036-C-CAAGT.
Other names: c.4289_4292dup, p.Arg1433fs (NM_001287489.2); c.1988_1991dup, p.Arg666fs (NM_004802.4, NM_194323.3); c.2219_2222dup, p.Arg743fs (NM_194322.3); short protein forms R1433fs, R666fs, R743fs.
Identifiers: ClinVar variation 2994361 (VCV002994361.3), dbSNP rs2465533702, ClinGen allele CA2658234817.